The following is an entry in ClinVar:

NM_015100.4(POGZ):c.3447_3450del (p.Val1150fs)

Gene: POGZ (pogo transposable element derived with ZNF domain; minus strand). Cytogenetic location: 1q21.3.
Variant type: Deletion.
Coding change: c.3447_3450del on transcript NM_015100.4 (MANE Select); coding-DNA positions 3447 to 3450, 4 bases deleted (AGTG; older notation c.3447_3450delAGTG).
Protein change: p.Val1150fs; shifts the reading frame from valine 1150.
Molecular consequence: frameshift variant.
Genome position (GRCh38, 1-based): chr1:151,405,585-151,405,588, CACT deleted on the plus strand (AGTG on the coding strand, the reverse complement: POGZ is on the minus strand). VCF-style (leftmost placement, unchanged base first): chr1-151405584-CCACT-C. GRCh37 (hg19) VCF-style: chr1-151378060-CCACT-C.
Other names: c.3420_3423del, p.Val1141fs (NM_001194937.2); c.3261_3264del, p.Val1088fs (NM_001194938.2); c.3468_3471del, p.Val1157fs (NM_001410860.1); c.3162_3165del, p.Val1055fs (NM_145796.4); c.3288_3291del, p.Val1097fs (NM_207171.2); short protein forms V1141fs, V1088fs, V1150fs, V1097fs, V1055fs, V1157fs.
Identifiers: ClinVar variation 4140927 (VCV004140927.1).
Genomic context (GRCh38, chr1:151,405,584, plus strand): 5'-GAAGGACAGTGCCATCTGCCAGAATGGCTAGGACTACATCACACCAAGGTTCCCCTGTGC[CCACT>C]GTCTGCAGGGCATTCTCCTTTCGATCATCACTGCTCAGCACCTCTGTATCCAGGAACAAA-3'

ClinVar aggregate classification (germline): Pathogenic (1 of 4 stars; one submission).

Conditions:
Inborn genetic diseases. Identifiers: MedGen C0950123, MeSH D030342.

Submission:

Ambry Genetics
Classification: Pathogenic for Inborn genetic diseases. Last evaluated: 2025-08-06. Review status: criteria provided, single submitter. Criteria: Ambry Variant Classification Scheme 2023. Collection method: clinical testing. Allele origin: germline.
Comment: The c.3447_3450delAGTG (p.V1150Afs*9) alteration, located in exon 19 (coding exon 18) of the POGZ gene, consists of a deletion of 4 nucleotides from position 3447 to 3450, causing a translational frameshift with a predicted alternate stop codon after 9 amino acids. This variant is not expected to trigger nonsense-mediated mRNA decay, and impacts the last 18% of the protein. However, premature stop codons are typically deleterious in nature and the impacted region is critical for protein function (Ambry internal data). This variant was not reported in population-based cohorts in the Genome Aggregation Database (gnomAD). Based on the available evidence, this alteration is classified as pathogenic.